The following is an entry in ClinVar:

NM_000038.6(APC):c.6487A>C (p.Lys2163Gln)

Gene: APC (APC regulator of Wnt signaling pathway; plus strand). Cytogenetic location: 5q22.2.
Variant type: single nucleotide variant.
Coding change: c.6487A>C on transcript NM_000038.6 (MANE Select); coding-DNA position 6487, A replaced by C.
Protein change: p.Lys2163Gln; replaces lysine 2163 with glutamine.
Molecular consequence: missense variant.
Genome position (GRCh38, 1-based): chr5:112,842,081, A>C. VCF-style: chr5-112842081-A-C. GRCh37 (hg19) VCF-style: chr5-112177778-A-C.
Other names: c.6487A>C, p.Lys2163Gln (NM_001127510.3, NM_001354895.2); c.6433A>C, p.Lys2145Gln (NM_001127511.3); c.6541A>C, p.Lys2181Gln (NM_001354896.2); c.6517A>C, p.Lys2173Gln (NM_001354897.2); c.6412A>C, p.Lys2138Gln (NM_001354898.2); c.6403A>C, p.Lys2135Gln (NM_001354899.2); c.6364A>C, p.Lys2122Gln (NM_001354900.2); c.6310A>C, p.Lys2104Gln (NM_001354901.2); and 5 more; short protein forms K2145Q, K2163Q, K2138Q, K2181Q, K2037Q, K2122Q, K2135Q, K1880Q.
Identifiers: ClinVar variation 630197 (VCV000630197.21), dbSNP rs759728732, ClinGen allele CA044993.

ClinVar aggregate classification (germline): Conflicting classifications of pathogenicity. Review status: criteria provided, conflicting classifications (1 of 4 stars). 8 submissions from 8 submitters: Uncertain significance (4); Benign (1); Likely benign (2). 1 of the submissions does not count toward it. Last evaluated 2025-10-28.

Conditions:
APC-related disorder. Also called: APC-related condition.
Hereditary cancer-predisposing syndrome. Also called: Neoplastic Syndromes, Hereditary; Tumor predisposition; Hereditary neoplastic syndrome; Hereditary Cancer Syndrome. Identifiers: Orphanet 140162, MedGen C0027672, MeSH D009386, MONDO:0015356.
Familial adenomatous polyposis 1 (FAP1). Also called: POLYPOSIS, ADENOMATOUS INTESTINAL; FAMILIAL ADENOMATOUS POLYPOSIS 1, ATTENUATED. Identifiers: MedGen C2713442, MONDO:0021056, OMIM 175100. Disease mechanism: loss of function.

Allele frequency attached by ClinVar (database versions not stated): gnomAD 0.00001; gnomAD exomes 0.00002; ExAC 0.00003.
gnomAD v4.1: 14 of 1,611,318 alleles (0.00087%); highest among the groups gnomAD compares: East Asian, 0.031%; no homozygotes.

Submissions (8):

Color Diagnostics, LLC DBA Color Health
Classification: Likely benign for Hereditary cancer-predisposing syndrome. Last evaluated: 2025-10-28. Review status: criteria provided, single submitter. Criteria: ACMG Guidelines, 2015. Collection method: clinical testing. Allele origin: germline.

Labcorp Genetics (formerly Invitae), Labcorp
Classification: Uncertain significance for Familial adenomatous polyposis 1. Last evaluated: 2025-07-14. Review status: criteria provided, single submitter. Criteria: Invitae Variant Classification Sherloc (09022015). Collection method: clinical testing. Allele origin: germline.
Comment: This sequence change replaces lysine, which is basic and polar, with glutamine, which is neutral and polar, at codon 2163 of the APC protein (p.Lys2163Gln). This variant is present in population databases (rs759728732, gnomAD 0.03%). This missense change has been observed in individual(s) with gastric cancer (PMID: 29050249). This variant is also known as p.K2145Q. ClinVar contains an entry for this variant (Variation ID: 630197). Invitae Evidence Modeling of protein sequence and biophysical properties (such as structural, functional, and spatial information, amino acid conservation, physicochemical variation, residue mobility, and thermodynamic stability) indicates that this missense variant is not expected to disrupt APC protein function with a negative predictive value of 95%. In summary, the available evidence is currently insufficient to determine the role of this variant in disease. Therefore, it has been classified as a Variant of Uncertain Significance.

Myriad Genetics, Inc.
Classification: Likely benign for Familial adenomatous polyposis 1. Last evaluated: 2025-01-29. Review status: criteria provided, single submitter. Criteria: Myriad Autosomal Dominant, Autosomal Recessive and X-Linked Classification Criteria (2023). Collection method: clinical testing. Allele origin: unknown.
Comment: This variant is considered likely benign. This variant has been observed at a population frequency that is significantly greater than expected given the associated disease prevalence and penetrance.

GeneDx
Classification: Uncertain significance. Last evaluated: 2024-06-18. Review status: criteria provided, single submitter. Criteria: GeneDx Variant Classification Process June 2021. Collection method: clinical testing. Allele origin: germline. Affected: yes.
Comment: Co-observed with compound heterozygous truncating MSH6 variants in a child with a personal history consistent with constitutional mismatch repair deficiency (PMID: 33568103); In silico analysis indicates that this missense variant does not alter protein structure/function; This variant is associated with the following publications: (PMID: 36243179, 29050249, 33568103)

Women's Health and Genetics/Laboratory Corporation of America, LabCorp
Classification: Uncertain significance. Last evaluated: 2024-01-02. Review status: criteria provided, single submitter. Criteria: LabCorp Variant Classification Summary - May 2015. Collection method: clinical testing. Allele origin: germline.
Comment: Variant summary: APC c.6487A>C (p.Lys2163Gln) results in a conservative amino acid change in the encoded protein sequence. Four of five in-silico tools predict a damaging effect of the variant on protein function. The variant allele was found at a frequency of 2.4e-05 in 249906 control chromosomes, predominantly at a frequency of 0.00033 within the East Asian subpopulation in the gnomAD database. This frequency is about 5 fold higher than expected for a pathogenic variant in APC causing Familial Adenomatous Polyposis (2.4e-05 vs 7.1e-05), suggesting this variant is possibly a benign polymorphism primarily found in East Asians. However, this report does not provide unequivocal conclusions about an association of the variant with Familial Adenomatous Polyposis. To our knowledge, no experimental evidence demonstrating an impact on protein function has been reported. Four submitters have cited clinical-significance assessments for this variant to ClinVar after 2014 (Benign, n=1; VUS. n=3). Based on the evidence outlined above, the variant was classified as VUS-possibly benign.

Ambry Genetics
Classification: Benign for Hereditary cancer-predisposing syndrome. Last evaluated: 2021-10-28. Review status: criteria provided, single submitter. Criteria: Ambry Variant Classification Scheme 2023. Collection method: clinical testing. Allele origin: germline.

Quest Diagnostics Nichols Institute San Juan Capistrano
Classification: Uncertain significance. Last evaluated: 2020-01-14. Review status: criteria provided, single submitter. Criteria: Quest Diagnostics criteria. Collection method: clinical testing. Allele origin: unknown.

PreventionGenetics, part of Exact Sciences
Classification: Likely benign for APC-related condition. Last evaluated: 2024-01-31. Review status: no assertion criteria provided. Collection method: clinical testing. Allele origin: germline. Not counted in ClinVar's aggregate classification.
Comment: This variant is classified as likely benign based on ACMG/AMP sequence variant interpretation guidelines (Richards et al. 2015 PMID: 25741868, with internal and published modifications).

Literature cited by the submitters: PubMed 29050249 (cited by 3 submitters).